The following is an entry in ClinVar:

NM_001081.4(CUBN):c.4048_4061del (p.Tyr1350fs)

Gene: CUBN (cubilin; minus strand). Cytogenetic location: 10p13.
Variant type: Deletion.
Coding change: c.4048_4061del on transcript NM_001081.4 (MANE Select); coding-DNA positions 4048 to 4061, 14 bases deleted (TACTGTGGAGTAGA).
Protein change: p.Tyr1350fs; shifts the reading frame from tyrosine 1350.
Molecular consequence: frameshift variant.
Genome position (GRCh38, 1-based): chr10:17,019,940-17,019,953, TCTACTCCACAGTA deleted on the plus strand (TACTGTGGAGTAGA on the coding strand, the reverse complement: CUBN is on the minus strand). VCF-style (leftmost placement, unchanged base first): chr10-17019939-GTCTACTCCACAGTA-G. GRCh37 (hg19) VCF-style: chr10-17061938-GTCTACTCCACAGTA-G.
Other names: c.4048_4061delTACTGTGGAGTAGA (NM_001081.4); short protein forms Y1350fs.
Identifiers: ClinVar variation 4707332 (VCV004707332.2).

ClinVar aggregate classification (germline): Pathogenic/Likely pathogenic. Review status: criteria provided, multiple submitters, no conflicts (2 of 4 stars). 2 submissions from 2 submitters: Pathogenic (1); Likely pathogenic (1). Last evaluated 2025-11-17.

Conditions:
Imerslund-Grasbeck syndrome. Also called: ENTEROCYTE COBALAMIN MALABSORPTION; ENTEROCYTE INTRINSIC FACTOR RECEPTOR, DEFECT OF; PERNICIOUS ANEMIA, JUVENILE, DUE TO SELECTIVE INTESTINAL MALABSORPTION OF VITAMIN B12, WITH PROTEINURIA; Imerslund-Gräsbeck syndrome; Megaloblastic anemia due to inborn errors of metabolism. Identifiers: Orphanet 35858, MedGen C4551825, MONDO:0009853.
Imerslund-Grasbeck syndrome type 1 (IGS1). Also called: Megaloblastic anemia 1, Finnish type; MEGALOBLASTIC ANEMIA, 1; Imerslund-Gräsbeck syndrome 1. Identifiers: MedGen C4016819, MONDO:0100156, OMIM 261100.
Proteinuria, chronic benign. Identifiers: MedGen C5394384, MONDO:0030042, OMIM 618884.

Submissions (2):

Labcorp Genetics (formerly Invitae), Labcorp
Classification: Pathogenic for Imerslund-Grasbeck syndrome. Last evaluated: 2025-11-17. Review status: criteria provided, single submitter. Criteria: Invitae Variant Classification Sherloc (09022015). Collection method: clinical testing. Allele origin: germline.
Comment: This sequence change creates a premature translational stop signal (p.Tyr1350Profs*25) in the CUBN gene. It is expected to result in an absent or disrupted protein product. Loss-of-function variants in CUBN are known to be pathogenic (PMID: 15024727, 22929189, 25349199, 31613795, 34979989). This variant is present in population databases (no rsID available, gnomAD 0.0009%). This variant has not been reported in the literature in individuals affected with CUBN-related conditions. For these reasons, this variant has been classified as Pathogenic.

First Genomix Gene Laboratory, Genetic Diagnostics Department
Classification: Likely pathogenic for Imerslund-Grasbeck syndrome type 1; Proteinuria, chronic benign. Last evaluated: 2025-03-14. Review status: criteria provided, single submitter. Criteria: ACMG Guidelines, 2015. Collection method: clinical testing. Allele origin: germline. Inheritance: Autosomal recessive inheritance. Affected: no. Observed: 1 variant allele.

Literature cited by the submitters: PubMed 15024727 (cited by Labcorp Genetics (formerly Invitae), Labcorp); PubMed 22929189 (cited by Labcorp Genetics (formerly Invitae), Labcorp); PubMed 25349199 (cited by Labcorp Genetics (formerly Invitae), Labcorp); PubMed 31613795 (cited by Labcorp Genetics (formerly Invitae), Labcorp); PubMed 34979989 (cited by Labcorp Genetics (formerly Invitae), Labcorp).